The following is an entry in ClinVar:

NM_001126108.2(SLC12A3):c.2851_2852insAGGGGTGCACCCTC (p.Val951fs)

Gene: SLC12A3 (solute carrier family 12 member 3; plus strand). Cytogenetic location: 16q13.
Variant type: Insertion.
Coding change: c.2851_2852insAGGGGTGCACCCTC on transcript NM_001126108.2 (MANE Select); coding-DNA positions 2851 to 2852, AGGGGTGCACCCTC inserted.
Protein change: p.Val951fs; shifts the reading frame from valine 951.
Molecular consequence: frameshift variant.
Genome position: GRCh38 VCF-style: chr16-56902503-G-GAGGGGTGCACCCTC. GRCh37 (hg19) VCF-style: chr16-56936415-G-GAGGGGTGCACCCTC.
Other names: c.2878_2879insAGGGGTGCACCCTC, p.Val960fs (NM_000339.3); c.2875_2876insAGGGGTGCACCCTC, p.Val959fs (NM_001126107.2); c.2878_2879insAGGGGTGCACCCTC (NM_000339.2); short protein forms V951fs, V959fs, V960fs.
Identifiers: ClinVar variation 1071755 (VCV001071755.11), dbSNP rs754576009, ClinGen allele CA8070076.
Genomic context (GRCh38, chr16:56,902,503, plus strand): 5'-AACGAGATGCGGCGGGACTGCCCCTGGAAGATCTCAGATGAGGAGATTACGAAGAACAGA[G>GAGGGGTGCACCCTC]TCAAGGTGCAGAGAGGGGTGGGGGTGGGAAACGCGACACATCACTGGGTCAGGGACGGGT-3'

ClinVar aggregate classification (germline): Pathogenic/Likely pathogenic. Review status: criteria provided, multiple submitters, no conflicts (2 of 4 stars). 3 submissions from 3 submitters: Pathogenic (2); Likely pathogenic (1). Last evaluated 2026-07-22.

Conditions:
Familial hypokalemia-hypomagnesemia (GTLMNS). Also called: HYPOMAGNESEMIA-HYPOKALEMIA, PRIMARY RENOTUBULAR, WITH HYPOCALCIURIA; gitelman syndrome; POTASSIUM AND MAGNESIUM DEPLETION. Identifiers: Orphanet 358, MedGen C0268450, MONDO:0009904, OMIM 263800.

Allele frequency attached by ClinVar (database versions not stated): gnomAD exomes 0.00001; ExAC 0.00001.

Submissions (3):

Victorian Clinical Genetics Services, Murdoch Childrens Research Institute
Classification: Pathogenic for Familial hypokalemia-hypomagnesemia. Last evaluated: 2026-07-22. Review status: criteria provided, single submitter. Criteria: ACMG Guidelines, 2015. Collection method: clinical testing. Allele origin: germline. Affected: yes.
Comment: This variant is classified as Pathogenic. Evidence in support of pathogenic classification: Variant is predicted to result in a truncated protein (premature termination codon is NOT located at least 54 nucleotides upstream of the final exon-exon junction) with less than 1/3 of the protein sequence affected; Variant is present in gnomAD <0.01 for a recessive condition (v4: 7 heterozygote(s), 0 homozygote(s)) ; This variant has moderate previous evidence of pathogenicity in unrelated individuals. It has been reported in homozygous individuals affected with Gitelman syndrome (PMIDs: 29942493, 21964762). In addition, it has been classified as pathogenic by one clinical laboratory (ClinVar); Other protein-truncating variants comparable to the one identified in this case have very strong previous evidence for pathogenicity (DECIPHER). Additional information: This variant is heterozygous; This gene is associated with autosomal recessive disease; Loss of function is a known mechanism of disease in this gene and is associated with Gitelman syndrome (MIM#263800); Heterozygous variant detected in trans with a second pathogenic heterozygous variant (NM_001126108.2(SLC12A3):c.3025C>T; p.(Arg1009*)) in a recessive disease.

Natera, Inc.
Classification: Likely pathogenic for Gitelman syndrome. Last evaluated: 2025-05-27. Review status: criteria provided, single submitter. Criteria: Natera Variant Classification Schema (03/2026). Collection method: clinical testing. Allele origin: germline.
Comment: The c.2878_2879insAGGGGTGCACCCTC variant in SLC12A3 is a frameshift variant predicted to shift the reading frame beginning at codon 960 and leads to a stop codon 12 codons downstream. This variant is expected to result in nonsense mediated decay, truncation, or a dysfunctional protein product. This variant is rare in the general population with a frequency below the threshold expected for the associated phenotype(s). This variant has been observed in one or more individuals affected with the associated recessive disease, as either homozygous or compound heterozygous with a second variant (PMID: 29398133, 21964762). Given the available evidence, this variant is classified as Likely Pathogenic.

Labcorp Genetics (formerly Invitae), Labcorp
Classification: Pathogenic. Last evaluated: 2023-08-30. Review status: criteria provided, single submitter. Criteria: Invitae Variant Classification Sherloc (09022015). Collection method: clinical testing. Allele origin: germline.
Comment: For these reasons, this variant has been classified as Pathogenic. This variant disrupts a region of the SLC12A3 protein in which other variant(s) (p.Arg1018*) have been determined to be pathogenic (PMID: 12911530, 26770037, 29942493). This suggests that this is a clinically significant region of the protein, and that variants that disrupt it are likely to be disease-causing. ClinVar contains an entry for this variant (Variation ID: 1071755). This premature translational stop signal has been observed in individual(s) with Gitelman syndrome (PMID: 21964762). This variant is present in population databases (rs754576009, gnomAD 0.006%). This sequence change creates a premature translational stop signal (p.Val960Glufs*12) in the SLC12A3 gene. While this is not anticipated to result in nonsense mediated decay, it is expected to disrupt the last 71 amino acid(s) of the SLC12A3 protein.

Literature cited by the submitters: PubMed 21964762 (cited by 3 submitters); PubMed 29942493 (cited by Victorian Clinical Genetics Services, Murdoch Childrens Research Institute and Labcorp Genetics (formerly Invitae), Labcorp); PubMed 29398133 (cited by Natera, Inc.); PubMed 12911530 (cited by Labcorp Genetics (formerly Invitae), Labcorp); PubMed 26770037 (cited by Labcorp Genetics (formerly Invitae), Labcorp).